The following is an entry in ClinVar:

ClinVar aggregate classification (germline): Uncertain significance (1 of 4 stars; one submission).

Conditions:
Intellectual developmental disorder, autosomal dominant 66. Also called: MENTAL RETARDATION, AUTOSOMAL DOMINANT 66. Identifiers: MedGen C5677000, MONDO:0030891, OMIM 619910.

Submission:

Institute of Human Genetics, University of Leipzig Medical Center
Classification: Uncertain significance for Intellectual developmental disorder, autosomal dominant 66. Last evaluated: 2025-05-02. Review status: criteria provided, single submitter. Criteria: ACMG Guidelines, 2015. Collection method: clinical testing. Allele origin: unknown. Inheritance: Autosomal dominant inheritance. Affected: yes.
Comment: Criteria applied: PM2,PP2,PP3

NM_001366521.1(ATP2B1):c.2529G>T (p.Met843Ile)

Gene: ATP2B1 (ATPase plasma membrane Ca2+ transporting 1; minus strand). Cytogenetic location: 12q21.33.
Variant type: single nucleotide variant.
Coding change: c.2529G>T on transcript NM_001366521.1 (MANE Select); coding-DNA position 2529, G replaced by T.
Protein change: p.Met843Ile; replaces methionine 843 with isoleucine.
Molecular consequence: missense variant. On other transcripts: non-coding transcript variant (3).
Genome position (GRCh38, 1-based): chr12:89,604,260, C>A on the plus strand (G>T on the coding strand, the complement: ATP2B1 is on the minus strand). VCF-style: chr12-89604260-C-A. GRCh37 (hg19) VCF-style: chr12-89998037-C-A.
Other names: c.2529G>T, p.Met843Ile (NM_001001323.2, NM_001366520.1, NM_001366522.1 and 12 more transcripts); c.2331G>T, p.Met777Ile (NM_001366530.1, NM_001413053.1); c.1968G>T, p.Met656Ile (NM_001366531.1, NM_001366532.1, NM_001413058.1 and 2 more transcripts); c.2490G>T, p.Met830Ile (NM_001413048.1); c.2388G>T, p.Met796Ile (NM_001413051.1, NM_001413052.1, NM_001413055.1); c.2286G>T, p.Met762Ile (NM_001413054.1); c.2274G>T, p.Met758Ile (NM_001413056.1); c.2076G>T, p.Met692Ile (NM_001413057.1); short protein forms M656I, M692I, M758I, M762I, M777I, M796I, M830I, M843I.
Identifiers: ClinVar variation 3901155 (VCV003901155.1).
Genomic context (GRCh38, chr12:89,604,260, plus strand): 5'-ATTAACAGTAAGTTGGAACTGAAGGAATTTTGAGATGCTGTCATAGACATTTCGTCCCCA[C>A]ATAACTGCTTTAACAATGCTTGTAAAGTTGTCATCTGTGAGAATAATATCGGATGCTTCT-3'
Protein context (NP_001353450.1, residues 833-853): DNFTSIVKAV[Met843Ile]WGRNVYDSIS